The following is an entry in ClinVar:

ClinVar aggregate classification (germline): Uncertain significance (1 of 4 stars; one submission).

Conditions:
Cardiovascular phenotype. Identifiers: MedGen CN230736.

Submission:

Ambry Genetics
Classification: Uncertain significance for Cardiovascular phenotype. Last evaluated: 2025-07-03. Review status: criteria provided, single submitter. Criteria: Ambry Variant Classification Scheme 2023. Collection method: clinical testing. Allele origin: germline.
Comment: The c.175_177delGCCinsACT variant (also known as p.A59T), located in coding exon 3 of the TXNRD2 gene, results from an in-frame deletion of GCC and insertion of ACT at nucleotide positions 175 to 177. This results in the substitution of the alanine residue for a threonine residue at codon 59, an amino acid with similar properties. Based on data from gnomAD, this alteration has an overall frequency of 0.0025% (5/198768) total alleles studied. The highest observed frequency was 0.0078% (4/84610) of European (non-Finnish) alleles. This amino acid position is highly conserved in available vertebrate species. In addition, this alteration is predicted to be neutral by in silico analysis (Choi Y et al. PLoS ONE. 2012; 7(10):e46688). The evidence for this gene-disease relationship is limited; therefore, the clinical significance of this alteration is unclear.

Literature cited by the submitters: PubMed 21247928.

NM_006440.5(TXNRD2):c.175_177delinsACT (p.Ala59Thr)

Gene: TXNRD2 (thioredoxin reductase 2; minus strand). Cytogenetic location: 22q11.21.
Variant type: Indel.
Coding change: c.175_177delinsACT on transcript NM_006440.5 (MANE Select); coding-DNA positions 175 to 177, GCC replaced by ACT.
Protein change: p.Ala59Thr; replaces alanine 59 with threonine.
Molecular consequence: missense variant. On other transcripts: 5 prime UTR variant (1).
Genome position (GRCh38, 1-based): chr22:19,919,595-19,919,597, GGC replaced by AGT on the plus strand (GCC replaced by ACT on the coding strand, the reverse complement: TXNRD2 is on the minus strand). VCF-style: chr22-19919595-GGC-AGT. GRCh37 (hg19) VCF-style: chr22-19907118-GGC-AGT.
Other names: c.175_177delinsACT, p.Ala59Thr (NM_001282512.3); c.172_174delinsACT, p.Ala58Thr (NM_001352300.2); c.85_87delinsACT, p.Ala29Thr (NM_001352301.2); c.-114_-112delinsACT (NM_001352302.2); c.79_81delinsACT, p.Ala27Thr (NM_001352303.2); short protein forms A27T, A59T, A29T, A58T.
Identifiers: ClinVar variation 1779384 (VCV001779384.3), dbSNP rs2517393658, ClinGen allele CA2580099114.